The following is an entry in ClinVar:

NM_001145809.2(MYH14):c.1114+13C>T

Gene: MYH14 (myosin heavy chain 14; plus strand). Cytogenetic location: 19q13.33.
Variant type: single nucleotide variant.
Coding change: c.1114+13C>T on transcript NM_001145809.2 (MANE Select); 13 bases into the intron after coding-DNA position 1114, C replaced by T.
Molecular consequence: intron variant.
Genome position (GRCh38, 1-based): chr19:50,232,083, C>T. VCF-style: chr19-50232083-C-T. GRCh37 (hg19) VCF-style: chr19-50735340-C-T.
Other names: c.1114+13C>T (NM_001077186.2); c.1090+13C>T (NM_024729.4).
Identifiers: ClinVar variation 44044 (VCV000044044.25), dbSNP rs11666328, ClinGen allele CA133453.

ClinVar aggregate classification (germline): Benign. Review status: criteria provided, multiple submitters, no conflicts (2 of 4 stars). 10 submissions from 9 submitters: Benign (8). 2 of the submissions do not count toward it. Last evaluated 2026-02-03.

Conditions:
Autosomal dominant nonsyndromic hearing loss 4A. Also called: Deafness, autosomal dominant 4A. Identifiers: Orphanet 90635, MedGen C1833503, MONDO:0010915, OMIM 600652.
Peripheral neuropathy-myopathy-hoarseness-hearing loss syndrome. Identifiers: Orphanet 397744, MedGen C3280556, MONDO:0013711, OMIM 614369.

Allele frequency attached by ClinVar (database versions not stated): gnomAD 0.32666 and 0.32285; gnomAD exomes 0.35854; ExAC 0.35882; 1000 Genomes Project 30x 0.32136; 1000 Genomes Project 0.32149; TOPMed 0.32418; ESP Exome Variant Server 0.32462.
gnomAD v4.1: 582,916 of 1,609,156 alleles (36%); highest among the groups gnomAD compares: South Asian, 41%; 107,029 homozygotes.

Submissions (10):

Labcorp Genetics (formerly Invitae), Labcorp
Classification: Benign. Last evaluated: 2026-02-03. Review status: criteria provided, single submitter. Criteria: Invitae Variant Classification Sherloc (09022015). Collection method: clinical testing. Allele origin: germline.

Genome-Nilou Lab
Classification: Benign for Peripheral neuropathy-myopathy-hoarseness-hearing loss syndrome. Last evaluated: 2021-09-05. Review status: criteria provided, single submitter. Criteria: ACMG Guidelines, 2015. Collection method: clinical testing. Allele origin: germline. Affected: no.

Genome-Nilou Lab
Classification: Benign for Autosomal dominant nonsyndromic hearing loss 4A. Last evaluated: 2021-09-05. Review status: criteria provided, single submitter. Criteria: ACMG Guidelines, 2015. Collection method: clinical testing. Allele origin: germline. Affected: no.

GeneDx
Classification: Benign. Last evaluated: 2018-06-22. Review status: criteria provided, single submitter. Criteria: GeneDx Variant Classification Process June 2021. Collection method: clinical testing. Allele origin: germline. Affected: yes.

Illumina Laboratory Services, Illumina
Classification: Benign for Autosomal dominant nonsyndromic hearing loss 4A. Last evaluated: 2018-01-13. Review status: criteria provided, single submitter. Criteria: ICSL Variant Classification Criteria 13 December 2019. Collection method: clinical testing. Allele origin: germline.
Comment: This variant was observed in the ICSL laboratory as part of a predisposition screen in an ostensibly healthy population. It had not been previously curated by ICSL or reported in the Human Gene Mutation Database (HGMD: prior to June 1st, 2018), and was therefore a candidate for classification through an automated scoring system. Utilizing variant allele frequency, disease prevalence and penetrance estimates, and inheritance mode, an automated score was calculated to assess if this variant is too frequent to cause the disease. Based on the score and internal cut-off values, a variant classified as benign is not then subjected to further curation. The score for this variant resulted in a classification of benign for this disease.

Laboratory for Molecular Medicine, Mass General Brigham Personalized Medicine
Classification: Benign. Last evaluated: 2012-05-07. Review status: criteria provided, single submitter. Criteria: LMM Criteria. Collection method: clinical testing. Allele origin: germline. Observed: 861 variant alleles.
Comment: 1114+13C>T in Intron 10 of MYH14: This variant is not expected to have clinical significance because it is not located within the conserved splice consensus seq uence and has been identified in 36.6% (2438/6660) of European American chromoso mes from a broad population by the NHLBI Exome Sequencing Project (.; dbSNP rs11666328).

Breakthrough Genomics
Classification: Benign. Review status: criteria provided, single submitter. Criteria: ACMG Guidelines, 2015. Collection method: not provided. Allele origin: germline. Inheritance: Autosomal dominant inheritance. Affected: yes.

PreventionGenetics, part of Exact Sciences
Classification: Benign. Review status: criteria provided, single submitter. Criteria: ACMG Guidelines, 2015. Collection method: clinical testing. Allele origin: germline.

Clinical Genetics, Academic Medical Center
Classification: Benign. Review status: no assertion criteria provided. Collection method: clinical testing. Allele origin: germline. Affected: yes. Study: VKGL Data-share Consensus. Not counted in ClinVar's aggregate classification.

Diagnostic Laboratory, Department of Genetics, University Medical Center Groningen
Classification: Benign. Review status: no assertion criteria provided. Collection method: clinical testing. Allele origin: germline. Affected: yes. Study: VKGL Data-share Consensus. Not counted in ClinVar's aggregate classification.